The following is an entry in ClinVar:

ClinVar aggregate classification (germline): Conflicting classifications of pathogenicity. Review status: criteria provided, conflicting classifications (1 of 4 stars). 3 submissions from 3 submitters: Pathogenic (1); Likely pathogenic (1); Uncertain significance (1). Last evaluated 2025-04-17.

Conditions:
Ichthyosis, spastic quadriplegia, and impaired intellectual development. Also called: Congenital ichthyosis-intellectual disability-spastic quadriplegia syndrome. Identifiers: Orphanet 352333, MedGen C3280856, MONDO:0013760, OMIM 614457.

Submissions (3):

Labcorp Genetics (formerly Invitae), Labcorp
Classification: Uncertain significance. Last evaluated: 2025-04-17. Review status: criteria provided, single submitter. Criteria: Invitae Variant Classification Sherloc (09022015). Collection method: clinical testing. Allele origin: germline.
Comment: This sequence change affects an acceptor splice site in intron 5 of the ELOVL4 gene. While this variant is not anticipated to result in nonsense mediated decay, it likely alters RNA splicing and results in a disrupted protein product. This variant is not present in population databases (gnomAD no frequency). Disruption of this splice site has been observed in individual(s) with autosomal recessive ichthyosis, spastic quadriplegia, and intellectual disability (ISQID) (PMID: 25326635). In at least one individual the data is consistent with being in trans (on the opposite chromosome) from a pathogenic variant. ClinVar contains an entry for this variant (Variation ID: 561003). Variants that disrupt the consensus splice site are a relatively common cause of aberrant splicing (PMID: 17576681, 9536098). Algorithms developed to predict the effect of sequence changes on RNA splicing suggest that this variant may disrupt the consensus splice site. In summary, the available evidence is currently insufficient to determine the role of this variant in disease. Therefore, it has been classified as a Variant of Uncertain Significance.

GeneDx
Classification: Likely pathogenic. Last evaluated: 2023-08-24. Review status: criteria provided, single submitter. Criteria: GeneDx Variant Classification Process June 2021. Collection method: clinical testing. Allele origin: germline. Affected: yes.
Comment: Canonical splice site variant predicted to result in an in-frame loss of the adjacent exon in a gene for which loss of function is a known mechanism of disease; Not observed at significant frequency in large population cohorts (gnomAD); Has not been previously published as pathogenic or benign to our knowledge

Baylor Genetics
Classification: Pathogenic for Ichthyosis, spastic quadriplegia, and impaired intellectual development. Last evaluated: 2017-09-01. Review status: criteria provided, single submitter. Criteria: ACMG Guidelines, 2015. Collection method: clinical testing. Allele origin: paternal. Inheritance: Autosomal unknown. Affected: yes.
Comment: This splice site mutation is categorized as deleterious according to ACMG guidelines (PMID:18414213).

Literature cited by the submitters: PubMed 25326635 (cited by Labcorp Genetics (formerly Invitae), Labcorp and Baylor Genetics); PubMed 17576681 (cited by Labcorp Genetics (formerly Invitae), Labcorp); PubMed 9536098 (cited by Labcorp Genetics (formerly Invitae), Labcorp).

NM_022726.4(ELOVL4):c.670-1G>A

Gene: ELOVL4 (ELOVL fatty acid elongase 4; minus strand). Cytogenetic location: 6q14.1.
Variant type: single nucleotide variant.
Coding change: c.670-1G>A on transcript NM_022726.4 (MANE Select); the canonical splice acceptor site of the intron before coding-DNA position 670, G replaced by A.
Molecular consequence: splice acceptor variant.
Genome position (GRCh38, 1-based): chr6:79,916,884, C>T on the plus strand (G>A on the coding strand, the complement: ELOVL4 is on the minus strand). VCF-style: chr6-79916884-C-T. GRCh37 (hg19) VCF-style: chr6-80626601-C-T.
Identifiers: ClinVar variation 561003 (VCV000561003.4), dbSNP rs1561982219, ClinGen allele CA364656112.